The following is an entry in ClinVar:

ClinVar aggregate classification (germline): Likely pathogenic. Review status: criteria provided, single submitter (1 of 4 stars). 2 submissions from 2 submitters: Likely pathogenic (1). 1 of the submissions does not count toward it. Last evaluated 2025-11-18.

Conditions:
CFTR-related disorder (CFTR-RD). Also called: CFTR-related disorders; CFTR-related condition. Identifiers: MedGen C5924204, MONDO:7770004.
Cystic fibrosis (CF). Also called: MUCOVISCIDOSIS. Identifiers: Orphanet 586, MedGen C0010674, MONDO:0009061, OMIM 219700. Disease mechanism: loss of function.

Submissions (2):

Natera, Inc.
Classification: Likely pathogenic for CFTR-related disorders. Last evaluated: 2025-11-18. Review status: criteria provided, single submitter. Criteria: Natera Variant Classification Schema (03/2026). Collection method: clinical testing. Allele origin: germline.
Comment: The c.80delG variant in CFTR is a frameshift variant predicted to shift the reading frame beginning at codon 27 and leads to a stop codon 64 codons downstream. This variant is expected to result in nonsense mediated decay, truncation, or a dysfunctional protein product. This variant is rare in the general population with a frequency below the threshold expected for the associated phenotype(s). Given the available evidence, this variant is classified as Likely Pathogenic.

ClinVar Staff, National Center for Biotechnology Information (NCBI)
No classification provided. Condition: CFTR-related disorders. Review status: no classification provided. Collection method: literature only. Allele origin: germline. Affected: yes. Not counted in ClinVar's aggregate classification.

Literature cited by the submitters: PubMed 11379874 (cited by ClinVar Staff, National Center for Biotechnology Information (NCBI)).

NM_000492.4(CFTR):c.80del (p.Gly27fs)

Gene: CFTR (CF transmembrane conductance regulator; plus strand). Cytogenetic location: 7q31.2.
Variant type: Deletion.
Coding change: c.80del on transcript NM_000492.4 (MANE Select); coding-DNA position 80, one base deleted (G; older notation c.80delG).
Protein change: p.Gly27fs; shifts the reading frame from glycine 27.
Molecular consequence: frameshift variant.
Genome position (GRCh38, 1-based): chr7:117,504,279, G deleted; the last of 2 consecutive G bases (chr7:117,504,278-117,504,279); deleting either gives the same sequence. VCF-style (leftmost placement, unchanged base first): chr7-117504277-AG-A. GRCh37 (hg19) VCF-style: chr7-117144331-AG-A.
Other names: c.80delG (NM_000492.3); short protein forms G27fs.
Identifiers: ClinVar variation 54063 (VCV000054063.2), dbSNP rs397508798, ClinGen allele CA327660.
Genomic context (GRCh38, chr7:117,504,277, plus strand): 5'-TCAAGTGAATATCTGTTCCTCCTCTCTTTATTTTAGCTGGACCAGACCAATTTTGAGGAA[AG>A]GATACAGACAGCGCCTGGAATTGTCAGACATATACCAAATCCCTTCTGTTGATTCTGCTG-3'